The following is an entry in ClinVar:

NM_001130144.3(LTBP3):c.1534G>A (p.Val512Met)

Gene: LTBP3 (latent transforming growth factor beta binding protein 3; minus strand). Cytogenetic location: 11q13.1.
Variant type: single nucleotide variant.
Coding change: c.1534G>A on transcript NM_001130144.3 (MANE Select); coding-DNA position 1534, G replaced by A.
Protein change: p.Val512Met; replaces valine 512 with methionine.
Molecular consequence: missense variant.
Genome position (GRCh38, 1-based): chr11:65,551,562, C>T on the plus strand (G>A on the coding strand, the complement: LTBP3 is on the minus strand). VCF-style: chr11-65551562-C-T. GRCh37 (hg19) VCF-style: chr11-65319033-C-T.
Other names: c.1183G>A, p.Val395Met (NM_001164266.1); c.1534G>A, p.Val512Met (NM_021070.4); c.1534G>A (NM_001130144.2); short protein forms V395M, V512M.
Identifiers: ClinVar variation 2170059 (VCV002170059.5), dbSNP rs761955225, ClinGen allele CA6100954.

ClinVar aggregate classification (germline): Uncertain significance. Review status: criteria provided, multiple submitters, no conflicts (2 of 4 stars). 2 submissions from 2 submitters: Uncertain significance (2). Last evaluated 2025-12-09.

Conditions:
Brachyolmia-amelogenesis imperfecta syndrome. Also called: PLATYSPONDYLY WITH AMELOGENESIS IMPERFECTA; Tooth agenesis, selective, 6; Dental anomalies and short stature. Identifiers: Orphanet 2899, MedGen C1832594, MONDO:0011018, OMIM 601216. Disease mechanism: loss of function.
LTBP3-related disorder. Also called: LTBP3-related condition.

Allele frequency attached by ClinVar (database versions not stated): gnomAD exomes 0.00001; TOPMed 0.00001.
gnomAD v4.1: 19 of 1,614,032 alleles (0.0012%); highest among the groups gnomAD compares: East Asian, 0.04%; no homozygotes.

Submissions (2):

Labcorp Genetics (formerly Invitae), Labcorp
Classification: Uncertain significance for Brachyolmia-amelogenesis imperfecta syndrome. Last evaluated: 2025-12-09. Review status: criteria provided, single submitter. Criteria: Invitae Variant Classification Sherloc (09022015). Collection method: clinical testing. Allele origin: germline.
Comment: This sequence change replaces valine, which is neutral and non-polar, with methionine, which is neutral and non-polar, at codon 512 of the LTBP3 protein (p.Val512Met). This variant is present in population databases (rs761955225, gnomAD 0.03%). This variant has not been reported in the literature in individuals affected with LTBP3-related conditions. ClinVar contains an entry for this variant (Variation ID: 2170059). An algorithm developed to predict the effect of missense changes on protein structure and function (PolyPhen-2) suggests that this variant is likely to be tolerated. In summary, the available evidence is currently insufficient to determine the role of this variant in disease. Therefore, it has been classified as a Variant of Uncertain Significance.

PreventionGenetics, part of Exact Sciences
Classification: Uncertain significance for LTBP3-related condition. Last evaluated: 2023-02-16. Review status: criteria provided, single submitter. Criteria: ACMG Guidelines, 2015. Collection method: clinical testing. Allele origin: germline.
Comment: The LTBP3 c.1534G>A variant is predicted to result in the amino acid substitution p.Val512Met. To our knowledge, this variant has not been reported in the literature. This variant is reported in 0.033% of alleles in individuals of East Asian descent in gnomAD. At this time, the clinical significance of this variant is uncertain due to the absence of conclusive functional and genetic evidence.